The following is an entry in ClinVar:

NM_152612.3(CCDC116):c.922C>T (p.Arg308Cys)

Gene: CCDC116 (coiled-coil domain containing 116; plus strand). Cytogenetic location: 22q11.21.
Variant type: single nucleotide variant.
Coding change: c.922C>T on transcript NM_152612.3 (MANE Select); coding-DNA position 922, C replaced by T.
Protein change: p.Arg308Cys; replaces arginine 308 with cysteine.
Molecular consequence: missense variant.
Genome position (GRCh38, 1-based): chr22:21,634,985, C>T. VCF-style: chr22-21634985-C-T. GRCh37 (hg19) VCF-style: chr22-21989274-C-T.
Other names: c.922C>T, p.Arg308Cys (NM_001331066.2); short protein forms R308C.
Identifiers: ClinVar variation 3388116 (VCV003388116.14).
Genomic context (GRCh38, chr22:21,634,985, plus strand): 5'-CTGCCTGGCTACTGTCCGCTCCGTGAGCCCCATCGCACGCTGAACTTCCTGGCTGACCAC[C>T]GCCTCTTCCCTGCCCTGCAAAGCGTGGTCAGCCAGGCTGTGGATAAGCTCCGTGGCGCCC-3'
Protein context (NP_689825.2, residues 298-318): HRTLNFLADH[Arg308Cys]LFPALQSVVS

ClinVar aggregate classification (germline): Likely benign (1 of 4 stars; one submission).

gnomAD v4.1: 1,729 of 1,611,720 alleles (0.11%); highest among the groups gnomAD compares: Middle Eastern, 0.13%; 1 homozygote.

Submission:

CeGaT Center for Human Genetics Tuebingen
Classification: Likely benign. Last evaluated: 2024-11-01. Review status: criteria provided, single submitter. Criteria: CeGaT Center For Human Genetics Tuebingen Variant Classification Criteria Version 2. Collection method: clinical testing. Allele origin: germline. Affected: yes. Observed: 1 variant allele.
Comment: CCDC116: BP4, BS2